The following is an entry in ClinVar:

NM_000059.4(BRCA2):c.2109C>T (p.Thr703=)

Gene: BRCA2 (BRCA2 DNA repair associated; plus strand). Cytogenetic location: 13q13.1.
Variant type: single nucleotide variant.
Coding change: c.2109C>T on transcript NM_000059.4 (MANE Select); coding-DNA position 2109, C replaced by T.
Protein change: p.Thr703=; no amino-acid change (threonine 703 retained).
Molecular consequence: synonymous variant.
Genome position (GRCh38, 1-based): chr13:32,336,464, C>T. VCF-style: chr13-32336464-C-T. GRCh37 (hg19) VCF-style: chr13-32910601-C-T.
Identifiers: ClinVar variation 184623 (VCV000184623.28), dbSNP rs762499878, ClinGen allele CA014366.

ClinVar aggregate classification (germline): Likely benign. Review status: reviewed by expert panel (3 of 4 stars). 10 submissions from 10 submitters: Likely benign (1). 9 of the submissions do not count toward it. Last evaluated 2017-06-29.

Conditions:
BRCA2-related disorder. Also called: BRCA2-related condition; BRCA2-related disorders. Identifiers: MedGen CN239275.
Hereditary cancer-predisposing syndrome. Also called: Tumor predisposition; Hereditary Cancer Syndrome; Hereditary neoplastic syndrome; Neoplastic Syndromes, Hereditary. Identifiers: Orphanet 140162, MedGen C0027672, MeSH D009386, MONDO:0015356.
Hereditary breast ovarian cancer syndrome. Also called: Breast and ovarian cancer; Hereditary breast and ovarian cancer syndrome; Hereditary breast and ovarian cancer; BRCA1- and BRCA2-Associated Hereditary Breast and Ovarian Cancer; Hereditary breast and ovarian cancer syndrome (HBOC); Hereditary breast and/or ovarian cancer syndrome. Identifiers: Orphanet 145, MedGen C0677776, MeSH D061325, MONDO:0003582. Disease mechanism: loss of function.
Breast-ovarian cancer, familial, susceptibility to, 2 (BROVCA2). Also called: BRCA2 Hereditary Breast and Ovarian Cancer. Identifiers: Orphanet 145, MedGen C2675520, MONDO:0012933, OMIM 612555. Disease mechanism: loss of function.

Allele frequency attached by ClinVar (database versions not stated): gnomAD exomes below 0.00001 and 0.00001; ExAC 0.00001; gnomAD 0.00007 and 0.00008; TOPMed 0.00009.
gnomAD v4.1: 17 of 1,613,614 alleles (0.0011%); highest among the groups gnomAD compares: African/African-American, 0.02%; no homozygotes.

Submissions (10):

Evidence-based Network for the Interpretation of Germline Mutant Alleles (ENIGMA)
Classification: Likely benign for Breast-ovarian cancer, familial, susceptibility to, 2. Last evaluated: 2017-06-29. Review status: reviewed by expert panel. Criteria: ENIGMA BRCA1/2 Classification Criteria (2017-06-29). Collection method: curation. Allele origin: germline.
Comment: Synonymous substitution variant, with low bioinformatic likelihood to result in a splicing aberration (Splicing prior probability 0.02).

Labcorp Genetics (formerly Invitae), Labcorp
Classification: Likely benign for Hereditary breast ovarian cancer syndrome. Last evaluated: 2026-02-02. Review status: criteria provided, single submitter. Criteria: Invitae Variant Classification Sherloc (09022015). Collection method: clinical testing. Allele origin: germline. Not counted in ClinVar's aggregate classification.

Quest Diagnostics Nichols Institute San Juan Capistrano
Classification: Likely benign. Last evaluated: 2025-03-10. Review status: criteria provided, single submitter. Criteria: Quest Diagnostics criteria. Collection method: clinical testing. Allele origin: unknown. Not counted in ClinVar's aggregate classification.

Women's Health and Genetics/Laboratory Corporation of America, LabCorp
Classification: Likely benign. Last evaluated: 2024-12-30. Review status: criteria provided, single submitter. Criteria: LabCorp Variant Classification Summary - May 2015. Collection method: clinical testing. Allele origin: germline. Not counted in ClinVar's aggregate classification.
Comment: Variant summary: BRCA2 c.2109C>T alters a non-conserved nucleotide resulting in a synonymous change. Consensus agreement among computation tools predict no significant impact on normal splicing. However, these predictions have yet to be confirmed by functional studies. The variant allele was found at a frequency of 1.2e-05 in 250772 control chromosomes. The available data on variant occurrences in the general population are insufficient to allow any conclusion about variant significance. To our knowledge, no occurrence of c.2109C>T in individuals affected with Hereditary Breast And Ovarian Cancer Syndrome and no experimental evidence demonstrating its impact on protein function have been reported. ClinVar contains an entry for this variant (Variation ID: 184623). Based on the evidence outlined above, the variant was classified as likely benign.

All of Us Research Program, National Institutes of Health
Classification: Likely benign for Breast-ovarian cancer, familial, susceptibility to, 2. Last evaluated: 2023-12-13. Review status: criteria provided, single submitter. Criteria: ACMG Guidelines, 2015. Collection method: clinical testing. Allele origin: germline. Inheritance: Autosomal dominant inheritance. Observed: 4 variant alleles, 4 heterozygotes. Not counted in ClinVar's aggregate classification.
Comment: This study involves interpretation of variants in research participants for the purpose of population health screening. Participant phenotype was not available at the time of variant classification. Additional details can be found in publication PMID: 35346344, PMCID: PMC8962531

Sema4
Classification: Likely benign for Hereditary cancer-predisposing syndrome. Last evaluated: 2021-03-10. Review status: criteria provided, single submitter. Criteria: Sema4 Curation Guidelines. Collection method: curation. Allele origin: germline. Not counted in ClinVar's aggregate classification.

Color Diagnostics, LLC DBA Color Health
Classification: Likely benign for Hereditary cancer-predisposing syndrome. Last evaluated: 2017-12-06. Review status: criteria provided, single submitter. Criteria: ACMG Guidelines, 2015. Collection method: clinical testing. Allele origin: germline. Not counted in ClinVar's aggregate classification.

GeneDx
Classification: Benign. Last evaluated: 2015-09-16. Review status: criteria provided, single submitter. Criteria: GeneDx Variant Classification (06012015). Collection method: clinical testing. Allele origin: germline. Affected: yes. Not counted in ClinVar's aggregate classification.
Comment: This variant is considered likely benign or benign based on one or more of the following criteria: it is a conservative change, it occurs at a poorly conserved position in the protein, it is predicted to be benign by multiple in silico algorithms, and/or has population frequency not consistent with disease.

Ambry Genetics
Classification: Likely benign for Hereditary cancer-predisposing syndrome. Last evaluated: 2015-05-08. Review status: criteria provided, single submitter. Criteria: Ambry Variant Classification Scheme 2023. Collection method: clinical testing. Allele origin: germline. Not counted in ClinVar's aggregate classification.

PreventionGenetics, part of Exact Sciences
Classification: Likely benign for BRCA2-related condition. Last evaluated: 2023-01-27. Review status: no assertion criteria provided. Collection method: clinical testing. Allele origin: germline. Not counted in ClinVar's aggregate classification.
Comment: This variant is classified as likely benign based on ACMG/AMP sequence variant interpretation guidelines (Richards et al. 2015 PMID: 25741868, with internal and published modifications).

Literature cited by the submitters: PubMed 24729269 (cited by Quest Diagnostics Nichols Institute San Juan Capistrano).